The following is an entry in ClinVar:

NM_178335.3(CCDC50):c.718A>G (p.Thr240Ala)

Gene: CCDC50 (coiled-coil domain containing 50; plus strand). Cytogenetic location: 3q28.
Variant type: single nucleotide variant.
Coding change: c.718A>G on transcript NM_178335.3 (MANE Select); coding-DNA position 718, A replaced by G.
Protein change: p.Thr240Ala; replaces threonine 240 with alanine.
Molecular consequence: missense variant. On other transcripts: intron variant (1).
Genome position (GRCh38, 1-based): chr3:191,375,331, A>G. VCF-style: chr3-191375331-A-G. GRCh37 (hg19) VCF-style: chr3-191093120-A-G.
Other names: c.449-4828A>G (NM_174908.4); short protein forms T240A.
Identifiers: ClinVar variation 1723817 (VCV001723817.2), dbSNP rs773780456, ClinGen allele CA2755313.

ClinVar aggregate classification (germline): Uncertain significance (1 of 4 stars; one submission).

Allele frequency attached by ClinVar (database versions not stated): gnomAD exomes 0.00001; ExAC 0.00002.
gnomAD v4.1: 9 of 1,613,730 alleles (0.00056%); highest among the groups gnomAD compares: South Asian, 0.0055%; no homozygotes.

Submission:

GeneDx
Classification: Uncertain significance. Last evaluated: 2022-05-11. Review status: criteria provided, single submitter. Criteria: GeneDx Variant Classification Process June 2021. Collection method: clinical testing. Allele origin: germline. Affected: yes.
Comment: In silico analysis supports that this missense variant does not alter protein structure/function; Has not been previously published as pathogenic or benign to our knowledge